The following is an entry in ClinVar:

NM_001101426.4(CRPPA):c.991A>G (p.Ile331Val)

Genes: CRPPA (CDP-L-ribitol pyrophosphorylase A; minus strand), CRPPA-AS1 (CRPPA antisense RNA 1; plus strand). Cytogenetic location: 7p21.2.
Variant type: single nucleotide variant.
Coding change: c.991A>G on transcript NM_001101426.4 (MANE Select); coding-DNA position 991, A replaced by G.
Protein change: p.Ile331Val; replaces isoleucine 331 with valine.
Molecular consequence: missense variant. On other transcripts: non-coding transcript variant (1).
Genome position (GRCh38, 1-based): chr7:16,258,955, T>C on the plus strand (A>G on the coding strand, the complement: CRPPA is on the minus strand). VCF-style: chr7-16258955-T-C. GRCh37 (hg19) VCF-style: chr7-16298580-T-C.
Other names: c.841A>G, p.Ile281Val (NM_001101417.4); c.886A>G, p.Ile296Val (NM_001368197.1); short protein forms I331V, I281V, I296V.
Identifiers: ClinVar variation 291224 (VCV000291224.12), dbSNP rs886044693, ClinGen allele CA10607068.

ClinVar aggregate classification (germline): Uncertain significance. Review status: criteria provided, multiple submitters, no conflicts (2 of 4 stars). 2 submissions from 2 submitters: Uncertain significance (2). Last evaluated 2019-02-20.

Conditions:
Autosomal recessive limb-girdle muscular dystrophy type 2U. Also called: MUSCULAR DYSTROPHY, LIMB-GIRDLE, TYPE 2U; Muscular dystrophy-dystroglycanopathy (limb-girdle), type c, 7. Identifiers: Orphanet 352479, MedGen C5190987, MONDO:0014474, OMIM 616052.
Muscular dystrophy-dystroglycanopathy (congenital with brain and eye anomalies), type A, 7. Also called: WALKER-WARBURG SYNDROME OR MUSCLE-EYE-BRAIN DISEASE, ISPD-RELATED; Congenital muscular dystrophy-dystroglycanopathy with brain and eye anomalies, type A7. Identifiers: Orphanet 899, MedGen C3553330, MONDO:0013835, OMIM 614643.

Allele frequency attached by ClinVar (database versions not stated): TOPMed below 0.00001; gnomAD 0.00001; gnomAD exomes 0.00001.
gnomAD v4.1: 12 of 1,611,202 alleles (0.00074%); highest among the groups gnomAD compares: Non-Finnish European, 0.00093%; no homozygotes.

Submissions (2):

Labcorp Genetics (formerly Invitae), Labcorp
Classification: Uncertain significance for Muscular dystrophy-dystroglycanopathy (congenital with brain and eye anomalies), type A, 7; Autosomal recessive limb-girdle muscular dystrophy type 2U. Last evaluated: 2019-02-20. Review status: criteria provided, single submitter. Criteria: Invitae Variant Classification Sherloc (09022015). Collection method: clinical testing. Allele origin: germline.
Comment: Algorithms developed to predict the effect of missense changes on protein structure and function output the following: SIFT: "Tolerated"; PolyPhen-2: "Benign"; Align-GVGD: "Class C0". The valine amino acid residue is found in multiple mammalian species, suggesting that this missense change does not adversely affect protein function. These predictions have not been confirmed by published functional studies and their clinical significance is uncertain. In summary, the available evidence is currently insufficient to determine the role of this variant in disease. Therefore, it has been classified as a Variant of Uncertain Significance. This variant has not been reported in the literature in individuals with ISPD-related conditions. ClinVar contains an entry for this variant (Variation ID: 291224). This variant is not present in population databases (ExAC no frequency). This sequence change replaces isoleucine with valine at codon 331 of the ISPD protein (p.Ile331Val). The isoleucine residue is weakly conserved and there is a small physicochemical difference between isoleucine and valine.

Eurofins Ntd Llc (ga)
Classification: Uncertain significance. Last evaluated: 2016-09-21. Review status: criteria provided, single submitter. Criteria: EGL Classification Definitions 2015. Collection method: clinical testing. Allele origin: germline. Observed: 1 variant allele, 1 heterozygote.